The following is an entry in ClinVar:

NM_000143.4(FH):c.672G>T (p.Glu224Asp)

Gene: FH (fumarate hydratase; minus strand). Cytogenetic location: 1q43.
Variant type: single nucleotide variant.
Coding change: c.672G>T on transcript NM_000143.4 (MANE Select); coding-DNA position 672, G replaced by T.
Protein change: p.Glu224Asp; replaces glutamic acid 224 with aspartic acid.
Molecular consequence: missense variant.
Genome position (GRCh38, 1-based): chr1:241,508,669, C>A on the plus strand (G>T on the coding strand, the complement: FH is on the minus strand). VCF-style: chr1-241508669-C-A. GRCh37 (hg19) VCF-style: chr1-241671969-C-A.
Other names: short protein forms E224D.
Identifiers: ClinVar variation 5021707 (VCV005021707.1).

ClinVar aggregate classification (germline): Uncertain significance (1 of 4 stars; one submission).

Conditions:
Hereditary cancer-predisposing syndrome. Also called: Neoplastic Syndromes, Hereditary; Tumor predisposition; Hereditary neoplastic syndrome; Hereditary Cancer Syndrome. Identifiers: Orphanet 140162, MedGen C0027672, MeSH D009386, MONDO:0015356.

Submission:

Ambry Genetics
Classification: Uncertain significance for Hereditary cancer-predisposing syndrome. Last evaluated: 2026-09-03. Review status: criteria provided, single submitter. Criteria: Ambry Variant Classification Scheme 2023. Collection method: clinical testing. Allele origin: germline.
Comment: The p.E224D variant (also known as c.672G>T), located in coding exon 5 of the FH gene, results from a G to T substitution at nucleotide position 672. The glutamic acid at codon 224 is replaced by aspartic acid, an amino acid with highly similar properties. This amino acid position is well conserved in available vertebrate species. In addition, the in silico prediction for this alteration is inconclusive. Based on the available evidence, the clinical significance of this variant remains unclear.